The following is an entry in ClinVar:

ClinVar aggregate classification (germline): Uncertain significance (1 of 4 stars; one submission).

Submission:

Labcorp Genetics (formerly Invitae), Labcorp
Classification: Uncertain significance. Last evaluated: 2025-10-10. Review status: criteria provided, single submitter. Criteria: Invitae Variant Classification Sherloc (09022015). Collection method: clinical testing. Allele origin: germline.
Comment: This sequence change replaces aspartic acid, which is acidic and polar, with glycine, which is neutral and non-polar, at codon 491 of the IGF1R protein (p.Asp491Gly). This variant is not present in population databases (gnomAD no frequency). This variant has not been reported in the literature in individuals affected with IGF1R-related conditions. Invitae Evidence Modeling of protein sequence and biophysical properties (such as structural, functional, and spatial information, amino acid conservation, physicochemical variation, residue mobility, and thermodynamic stability) indicates that this missense variant is not expected to disrupt IGF1R protein function with a negative predictive value of 80%. In summary, the available evidence is currently insufficient to determine the role of this variant in disease. Therefore, it has been classified as a Variant of Uncertain Significance.

NM_000875.5(IGF1R):c.1472A>G (p.Asp491Gly)

Gene: IGF1R (insulin like growth factor 1 receptor; plus strand). Cytogenetic location: 15q26.3.
Variant type: single nucleotide variant.
Coding change: c.1472A>G on transcript NM_000875.5 (MANE Select); coding-DNA position 1472, A replaced by G.
Protein change: p.Asp491Gly; replaces aspartic acid 491 with glycine.
Molecular consequence: missense variant.
Genome position (GRCh38, 1-based): chr15:98,911,324, A>G. VCF-style: chr15-98911324-A-G. GRCh37 (hg19) VCF-style: chr15-99454553-A-G.
Other names: c.1472A>G, p.Asp491Gly (NM_001291858.2); short protein forms D491G.
Identifiers: ClinVar variation 4761833 (VCV004761833.1).